The following is an entry in ClinVar:

NM_022367.4(SEMA4A):c.1528C>T (p.Arg510Trp)

Gene: SEMA4A (semaphorin 4A; plus strand). Cytogenetic location: 1q22.
Variant type: single nucleotide variant.
Coding change: c.1528C>T on transcript NM_022367.4 (MANE Select); coding-DNA position 1528, C replaced by T.
Protein change: p.Arg510Trp; replaces arginine 510 with tryptophan.
Molecular consequence: missense variant.
Genome position (GRCh38, 1-based): chr1:156,175,179, C>T. VCF-style: chr1-156175179-C-T. GRCh37 (hg19) VCF-style: chr1-156144970-C-T.
Other names: c.1528C>T, p.Arg510Trp (NM_001193300.2, NM_001193301.2, NM_001370567.1); c.1132C>T, p.Arg378Trp (NM_001193302.2); c.1231C>T, p.Arg411Trp (NM_001370568.1); c.1021C>T, p.Arg341Trp (NM_001370569.1, NM_001370571.1); short protein forms R510W, R411W, R341W, R378W.
Identifiers: ClinVar variation 384117 (VCV000384117.8), dbSNP rs1028250483, ClinGen allele CA16603466.
Genomic context (GRCh38, chr1:156,175,179, plus strand): 5'-TGGAGGGTGCCCCGAGCCAACTGTAGTGTCTATGAGAGCTGTGTGGACTGTGTCCTTGCC[C>T]GGGACCCCCACTGTGCCTGGGACCCTGAGTCCCGAACCTGTTGCCTCCTGTCTGCCCCCA-3'
Protein context (NP_071762.2, residues 500-520): YESCVDCVLA[Arg510Trp]DPHCAWDPES

ClinVar aggregate classification (germline): Conflicting classifications of pathogenicity. Review status: criteria provided, conflicting classifications (1 of 4 stars). 2 submissions from 2 submitters: Likely pathogenic (1); Uncertain significance (1). Last evaluated 2023-08-24.

Allele frequency attached by ClinVar (database versions not stated): gnomAD 0.00001; gnomAD exomes 0.00001; TOPMed 0.00001.
gnomAD v4.1: 14 of 1,614,004 alleles (0.00087%); highest among the groups gnomAD compares: Non-Finnish European, 0.001%; no homozygotes.

Submissions (2):

Labcorp Genetics (formerly Invitae), Labcorp
Classification: Uncertain significance. Last evaluated: 2023-08-24. Review status: criteria provided, single submitter. Criteria: Invitae Variant Classification Sherloc (09022015). Collection method: clinical testing. Allele origin: germline.
Comment: In summary, the available evidence is currently insufficient to determine the role of this variant in disease. Therefore, it has been classified as a Variant of Uncertain Significance. Advanced modeling of protein sequence and biophysical properties (such as structural, functional, and spatial information, amino acid conservation, physicochemical variation, residue mobility, and thermodynamic stability) performed at Invitae indicates that this missense variant is expected to disrupt SEMA4A protein function. ClinVar contains an entry for this variant (Variation ID: 384117). This variant has not been reported in the literature in individuals affected with SEMA4A-related conditions. This variant is present in population databases (no rsID available, gnomAD 0.002%). This sequence change replaces arginine, which is basic and polar, with tryptophan, which is neutral and slightly polar, at codon 510 of the SEMA4A protein (p.Arg510Trp).

GeneDx
Classification: Likely pathogenic. Last evaluated: 2016-03-05. Review status: criteria provided, single submitter. Criteria: GeneDx Variant Classification (06012015). Collection method: clinical testing. Allele origin: germline. Affected: yes.
Comment: The R510W variant in the SEMA4A gene has not been reported previously as a pathogenic variant, nor as a benign variant, to our knowledge. The R510W variant was not observed in approximately 6500 individuals of European and African American ancestry in the NHLBI Exome Sequencing Project, indicating it is not a common benign variant in these populations. The R510W variant is a non-conservative amino acid substitution, which is likely to impact secondary protein structure as these residues differ in polarity, charge, size and/or other properties. This substitution occurs at a position that is conserved across species. In silico analysis predicts this variant is probably damaging to the protein structure/function. Therefore, the R510W variant is a strong candidate for a pathogenic variant.